The following is an entry in ClinVar:

ClinVar aggregate classification (germline): Benign. Review status: criteria provided, multiple submitters, no conflicts (2 of 4 stars). 2 submissions from 2 submitters: Benign (2). Last evaluated 2018-06-18.

Allele frequency attached by ClinVar (database versions not stated): gnomAD exomes 0.00509 and 0.01008; ExAC 0.01125; gnomAD 0.01848 and 0.01892; TOPMed 0.01974; ESP Exome Variant Server 0.02099; 1000 Genomes Project 0.02236; 1000 Genomes Project 30x 0.02264.
gnomAD v4.1: 9,902 of 1,528,750 alleles (0.65%); highest among the groups gnomAD compares: African/African-American, 5.7%; 211 homozygotes.

Submissions (2):

GeneDx
Classification: Benign. Last evaluated: 2018-06-18. Review status: criteria provided, single submitter. Criteria: GeneDx Variant Classification (06012015). Collection method: clinical testing. Allele origin: germline. Affected: yes.
Comment: This variant is considered likely benign or benign based on one or more of the following criteria: it is a conservative change, it occurs at a poorly conserved position in the protein, it is predicted to be benign by multiple in silico algorithms, and/or has population frequency not consistent with disease.

Breakthrough Genomics
Classification: Benign. Review status: criteria provided, single submitter. Criteria: ACMG Guidelines, 2015. Collection method: not provided. Allele origin: germline. Inheritance: Autosomal recessive inheritance. Affected: yes.

NM_177924.5(ASAH1):c.458-41T>C

Gene: ASAH1 (N-acylsphingosine amidohydrolase 1; minus strand). Cytogenetic location: 8p22.
Variant type: single nucleotide variant.
Coding change: c.458-41T>C on transcript NM_177924.5 (MANE Select); 41 bases into the intron before coding-DNA position 458, T replaced by C.
Molecular consequence: intron variant.
Genome position (GRCh38, 1-based): chr8:18,063,271, A>G on the plus strand (T>C on the coding strand, the complement: ASAH1 is on the minus strand). VCF-style: chr8-18063271-A-G. GRCh37 (hg19) VCF-style: chr8-17920780-A-G.
Other names: c.506-41T>C (NM_004315.6); c.440-41T>C (NM_001127505.3); c.263-41T>C (NM_001363743.2).
Identifiers: ClinVar variation 679652 (VCV000679652.2), dbSNP rs6993962, ClinGen allele CA4650831.